The following is an entry in ClinVar:

ClinVar aggregate classification (germline): Uncertain significance (1 of 4 stars; one submission).

Conditions:
Polycystic kidney disease, adult type (PKD1). Also called: Polycystic Kidney Disease 1, Autosomal Dominant; Polycystic kidney disease 1; Polycystic kidney disease 1, severe; POLYCYSTIC KIDNEY DISEASE, ADULT, TYPE I; Polycystic Kidney, Autosomal Dominant; POLYCYSTIC KIDNEY DISEASE 1 WITH OR WITHOUT POLYCYSTIC LIVER DISEASE. Identifiers: MedGen C3149841, MONDO:0008263, OMIM 173900.

Submission:

Victorian Clinical Genetics Services, Murdoch Childrens Research Institute
Classification: Uncertain significance for Polycystic kidney disease, adult type. Last evaluated: 2024-09-21. Review status: criteria provided, single submitter. Criteria: ACMG Guidelines, 2015. Collection method: clinical testing. Allele origin: germline. Inheritance: Autosomal dominant inheritance. Affected: yes.
Comment: Based on the classification scheme VCGS_Germline_v1.3.4, this variant is classified as VUS-3A. Following criteria are met: 0102 - Loss of function is a known mechanism of disease in this gene and is associated with polycystic kidney disease 1 (MIM#173900). (I) 0107 - This gene is associated with autosomal dominant disease. Polycystic kidney disease 1 (MIM#173900) is predominantly caused by monoallelic variants, with rare reports of biallelic variants causing disease (OMIM). (I) 0200 - Variant is predicted to result in a missense amino acid change from proline to leucine. (I) 0251 - This variant is heterozygous. (I) 0301 - Variant is absent from gnomAD (both v2 and v3). (SP) 0502 - Missense variant with conflicting in silico predictions and uninformative conservation. (I) 0604 - Variant is not located in an established domain, motif, hotspot or informative constraint region. (I) 0708 - Another missense variant comparable to the one identified in this case has conflicting previous evidence for pathogenicity. p.(Pro3648Thr) has been reported once as a VUS (ClinVar), and also observed in an individual with polycystic kidney dysplasia and assessed as being likely pathogenic (PMID: 33454723). (I) 0803 - This variant has limited previous evidence of pathogenicity in an unrelated individual. This variant has been observed in a single individual with renal and hepatic cysts (PMID: 11773467). (SP) 0905 - No published segregation evidence has been identified for this variant. (I) 1007 - No published functional evidence has been identified for this variant. (I) 1208 - Inheritance information for this variant is not currently available in this individual. (I) Legend: (SP) - Supporting pathogenic, (I) - Information, (SB) - Supporting benign

Literature cited by the submitters: PubMed 11773467; PubMed 33454723.

NM_001009944.3(PKD1):c.10943C>T (p.Pro3648Leu)

Genes: PKD1 (polycystin 1, transient receptor potential channel interacting; minus strand), PKD1-AS1 (PKD1 antisense RNA 1; plus strand). Cytogenetic location: 16p13.3.
Variant type: single nucleotide variant.
Coding change: c.10943C>T on transcript NM_001009944.3 (MANE Select); coding-DNA position 10943, C replaced by T.
Protein change: p.Pro3648Leu; replaces proline 3648 with leucine.
Molecular consequence: missense variant.
Genome position (GRCh38, 1-based): chr16:2,093,617, G>A on the plus strand (C>T on the coding strand, the complement: PKD1 is on the minus strand). VCF-style: chr16-2093617-G-A. GRCh37 (hg19) VCF-style: chr16-2143618-G-A.
Other names: c.10940C>T, p.Pro3647Leu (NM_000296.4); short protein forms P3647L, P3648L.
Identifiers: ClinVar variation 3255034 (VCV003255034.2), dbSNP rs1165539684.